The following is an entry in ClinVar:

NM_001379270.1(CNGA1):c.1499A>G (p.Asp500Gly)

Genes: CNGA1 (cyclic nucleotide gated channel subunit alpha 1; minus strand), LOC101927157 (uncharacterized LOC101927157; plus strand). Cytogenetic location: 4p12.
Variant type: single nucleotide variant.
Coding change: c.1499A>G on transcript NM_001379270.1 (MANE Select); coding-DNA position 1499, A replaced by G.
Protein change: p.Asp500Gly; replaces aspartic acid 500 with glycine.
Molecular consequence: missense variant.
Genome position (GRCh38, 1-based): chr4:47,936,983, T>C on the plus strand (A>G on the coding strand, the complement: CNGA1 is on the minus strand). VCF-style: chr4-47936983-T-C. GRCh37 (hg19) VCF-style: chr4-47939000-T-C.
Other names: c.1499A>G, p.Asp500Gly (NM_000087.5, NM_001142564.2); short protein forms D500G.
Identifiers: ClinVar variation 866887 (VCV000866887.10), dbSNP rs372770176, ClinGen allele CA2911065.

ClinVar aggregate classification (germline): Uncertain significance. Review status: criteria provided, multiple submitters, no conflicts (2 of 4 stars). 5 submissions from 5 submitters: Uncertain significance (5). Last evaluated 2025-01-29.

Conditions:
CNGA1-related disorder. Also called: CNGA1-related condition.
Retinal dystrophy. Also called: Inherited retinal dystrophy. Identifiers: Orphanet 71862, MedGen C0854723, MeSH D058499, MONDO:0019118, HP:0000556.
Retinitis pigmentosa 49 (RP49). Identifiers: Orphanet 791, MedGen C3151059, MONDO:0013405, OMIM 613756.
Retinitis pigmentosa (RP). Identifiers: Orphanet 791, MedGen C0035334, MeSH D012174, MONDO:0019200, OMIM 268000. Inheritance: Autosomal dominant, autosomal recessive and X linked inheritance.

Allele frequency attached by ClinVar (database versions not stated): gnomAD exomes below 0.00001 and 0.00005; ExAC 0.00001; TOPMed 0.00002; gnomAD 0.00003 and 0.00004; ESP Exome Variant Server 0.00008.
gnomAD v4.1: 73 of 1,613,660 alleles (0.0045%); highest among the groups gnomAD compares: Non-Finnish European, 0.0059%; no homozygotes.

Submissions (5):

PreventionGenetics, part of Exact Sciences
Classification: Uncertain significance for CNGA1-related condition. Last evaluated: 2025-01-29. Review status: criteria provided, single submitter. Criteria: ACMG Guidelines, 2015. Collection method: clinical testing. Allele origin: germline.
Comment: The CNGA1 c.1511A>G variant is predicted to result in the amino acid substitution p.Asp504Gly. This variant (also reported as c.1511A>G, p.Asp573Gly) has been reported in an individual with inherited retinal disease who was also positive for a second causative variant in CNGA1. However, segregation information was not provided (Table S2, Zampaglione et al. 2020. PubMed ID: 32037395). This variant is reported in 0.0016% of alleles in individuals of European (Non-Finnish) descent in gnomAD. Although we suspect that this variant may be pathogenic, at this time, the clinical significance of this variant is uncertain due to the absence of conclusive functional and genetic evidence.

Labcorp Genetics (formerly Invitae), Labcorp
Classification: Uncertain significance. Last evaluated: 2024-04-15. Review status: criteria provided, single submitter. Criteria: Invitae Variant Classification Sherloc (09022015). Collection method: clinical testing. Allele origin: germline.
Comment: This sequence change replaces aspartic acid, which is acidic and polar, with glycine, which is neutral and non-polar, at codon 504 of the CNGA1 protein (p.Asp504Gly). This variant is present in population databases (rs372770176, gnomAD 0.002%). This missense change has been observed in individual(s) with CNGA1-related conditions (PMID: 32037395). This variant is also known as c.1511A>G, p.Asp573Gly . ClinVar contains an entry for this variant (Variation ID: 866887). Advanced modeling of protein sequence and biophysical properties (such as structural, functional, and spatial information, amino acid conservation, physicochemical variation, residue mobility, and thermodynamic stability) performed at Invitae indicates that this missense variant is expected to disrupt CNGA1 protein function with a positive predictive value of 80%. In summary, the available evidence is currently insufficient to determine the role of this variant in disease. Therefore, it has been classified as a Variant of Uncertain Significance.

Dept Of Ophthalmology, Nagoya University
Classification: Uncertain significance for Retinal dystrophy. Last evaluated: 2023-10-01. Review status: criteria provided, single submitter. Criteria: Submitter's publication. Collection method: research. Allele origin: germline. Affected: yes.

Blueprint Genetics
Classification: Uncertain significance. Last evaluated: 2023-05-29. Review status: criteria provided, single submitter. Criteria: ACMG Guidelines, 2015. Collection method: clinical testing. Allele origin: germline.

Fulgent Genetics
Classification: Uncertain significance for Retinitis pigmentosa; Retinitis pigmentosa 49. Last evaluated: 2022-01-19. Review status: criteria provided, single submitter. Criteria: ACMG Guidelines, 2015. Collection method: clinical testing. Allele origin: unknown.

Literature cited by the submitters: PubMed 32037395 (cited by Labcorp Genetics (formerly Invitae), Labcorp).